The following is an entry in ClinVar:

NM_001184880.2(PCDH19):c.513C>G (p.Asn171Lys)

Gene: PCDH19 (protocadherin 19; minus strand). Cytogenetic location: Xq22.1.
Variant type: single nucleotide variant.
Coding change: c.513C>G on transcript NM_001184880.2 (MANE Select); coding-DNA position 513, C replaced by G.
Protein change: p.Asn171Lys; replaces asparagine 171 with lysine.
Molecular consequence: missense variant.
Genome position (GRCh38, 1-based): chrX:100,408,085, G>C on the plus strand (C>G on the coding strand, the complement: PCDH19 is on the minus strand). VCF-style: chrX-100408085-G-C. GRCh37 (hg19) VCF-style: chrX-99663083-G-C.
Other names: c.513C>G, p.Asn171Lys (NM_001105243.2, NM_020766.3); short protein forms N171K.
Identifiers: ClinVar variation 1304240 (VCV001304240.3), dbSNP rs749602848, ClinGen allele CA414009465.
Genomic context (GRCh38, chrX:100,408,085, plus strand): 5'-CACGAGTTCGGCAAAGCGGGAGCCGTCGCCGCGCGTCTTGATCTCCAGGCCGAACAGCTC[G>C]TTGGGCGTGAGCTCGTAAGTCTGCACGCCAAAGCTTCCTGAGTCTGGATCGTAAGCGCTG-3'
Protein context (NP_001171809.1, residues 161-181): FGVQTYELTP[Asn171Lys]ELFGLEIKTR

ClinVar aggregate classification (germline): Uncertain significance (1 of 4 stars; one submission).

gnomAD v4.1: 6 of 1,210,092 alleles (0.0005%); highest among the groups gnomAD compares: Non-Finnish European, 0.00067%; no homozygotes.

Submission:

GeneDx
Classification: Uncertain significance. Last evaluated: 2026-09-26. Review status: criteria provided, single submitter. Criteria: GeneDx Variant Classification Process June 2021. Collection method: clinical testing. Allele origin: germline.
Comment: Not observed at significant frequency in large population cohorts (gnomAD); In silico analysis supports that this missense variant has a deleterious effect on protein structure/function; Has not been previously published as pathogenic or benign to our knowledge